The following is an entry in ClinVar:

NM_138694.4(PKHD1):c.2217G>A (p.Pro739=)

Gene: PKHD1 (PKHD1 ciliary IPT domain containing fibrocystin/polyductin; minus strand). Cytogenetic location: 6p12.2.
Variant type: single nucleotide variant.
Coding change: c.2217G>A on transcript NM_138694.4 (MANE Select); coding-DNA position 2217, G replaced by A.
Protein change: p.Pro739=; no amino-acid change (proline 739 retained).
Molecular consequence: synonymous variant.
Genome position (GRCh38, 1-based): chr6:52,050,219, C>T on the plus strand (G>A on the coding strand, the complement: PKHD1 is on the minus strand). VCF-style: chr6-52050219-C-T. GRCh37 (hg19) VCF-style: chr6-51915017-C-T.
Other names: c.2217G>A, p.Pro739= (NM_170724.3); c.2217G>A (NM_138694.3).
Identifiers: ClinVar variation 497775 (VCV000497775.12), dbSNP rs373367366, ClinGen allele CA3853301.
Genomic context (GRCh38, chr6:52,050,219, plus strand): 5'-TGCAGTGATGAGCGGGAGCTCCGTGCCACACCCCGCCAGCCAGGAGGTGACACTGTAGAC[C>T]GGAGGGGATCCCACCACAGAGACTGATTCCACCAGATTGCCCCCTGGGCGAGCCGTTCCA-3'
Protein context (NP_619639.3, residues 729-749): VESVSVVGSP[Pro739=]VYSVTSWLAG

ClinVar aggregate classification (germline): Conflicting classifications of pathogenicity. Review status: criteria provided, conflicting classifications (1 of 4 stars). 5 submissions from 5 submitters: Uncertain significance (3); Likely benign (2). Last evaluated 2026-01-11.

Conditions:
PKHD1-related disorder. Also called: PKHD1-related condition.
Polycystic kidney disease 4 (PKD4). Also called: POLYCYSTIC KIDNEY AND HEPATIC DISEASE 1; POLYCYSTIC KIDNEY DISEASE, INFANTILE, TYPE I; PKD3; POLYCYSTIC KIDNEY DISEASE 4 WITH OR WITHOUT POLYCYSTIC LIVER DISEASE; Autosomal Recessive Polycystic Kidney Disease – PKHD1. Identifiers: MedGen C4540575, MONDO:0033004, OMIM 263200.
Autosomal recessive polycystic kidney disease (ARPKD). Also called: AR polycystic kidney disease. Identifiers: Orphanet 731, Orphanet 8378, MedGen C0085548, MeSH D017044, MONDO:0009889.

Allele frequency attached by ClinVar (database versions not stated): TOPMed 0.00001; 1000 Genomes Project 30x 0.00031; 1000 Genomes Project 0.00040.
gnomAD v4.1: 51 of 1,614,140 alleles (0.0032%); highest among the groups gnomAD compares: South Asian, 0.029%; no homozygotes.

Submissions (5):

Labcorp Genetics (formerly Invitae), Labcorp
Classification: Likely benign for Autosomal recessive polycystic kidney disease. Last evaluated: 2026-01-11. Review status: criteria provided, single submitter. Criteria: Invitae Variant Classification Sherloc (09022015). Collection method: clinical testing. Allele origin: germline.

PreventionGenetics, part of Exact Sciences
Classification: Likely benign for PKHD1-related condition. Last evaluated: 2024-12-26. Review status: criteria provided, single submitter. Criteria: ACMG Guidelines, 2015. Collection method: clinical testing. Allele origin: germline.
Comment: This variant is classified as likely benign based on ACMG/AMP sequence variant interpretation guidelines (Richards et al. 2015 PMID: 25741868, with internal and published modifications).

Victorian Clinical Genetics Services, Murdoch Childrens Research Institute
Classification: Uncertain significance for Polycystic kidney disease 4. Last evaluated: 2023-07-17. Review status: criteria provided, single submitter. Criteria: ACMG Guidelines, 2015. Collection method: clinical testing. Allele origin: germline. Inheritance: Autosomal recessive inheritance. Affected: yes.
Comment: Based on the classification scheme VCGS_Germline_v1.3.4, this variant is classified as VUS-3B. Following criteria are met: 0102 - Loss of function is a known mechanism of disease in this gene and is associated with polycystic kidney disease 4, with or without hepatic disease (MIM#263200). (I) 0106 - This gene is associated with autosomal recessive disease, however there are emerging reports of heterozygous carriers of PKHD1 variants developing liver cysts and nephrocalcinosis (PMID: 21945273). (I) 0115 - Variants in this gene are known to have variable expressivity. Significant intra-familial variability has been reported (PMID: 20301501). (I) 0218 - Synonymous variant without known or predicted effect. (I) 0251 - This variant is heterozygous. (I) 0304 - Variant is present in gnomAD (v2) <0.01 for a recessive condition (16 heterozygotes, 0 homozygotes). (SP) 0309 - An alternative nucleotide change at the same position has been observed in gnomAD (v2) (4 heterozygotes, 0 homozygotes). (I) 0506 - Abnormal splicing is not predicted and nucleotide is poorly conserved. (SB) 0604 - Variant is not located in an established domain, motif, hotspot or informative constraint region. (I) 0708 - Another nucleotide change at the same position comparable to the one identified in this case has conflicting previous evidence for pathogenicity. c.2217G>T p.(Pro739=) has been classified as a VUS and as likely benign by clinical laboratories in ClinVar. (I) 0809 - Previous evidence of pathogenicity for this variant is inconclusive. This variant has been classified as a VUS by a clinical laboratory in ClinVar. (I) 0905 - No published segregation evidence has been identified for this variant. (I) 1007 - No published functional evidence has been identified for this variant. (I) 1208 - Inheritance information for this variant is not currently available in this individual. (I) Legend: (SP) - Supporting pathogenic, (I) - Information, (SB) - Supporting benign

Fulgent Genetics
Classification: Uncertain significance for Polycystic kidney disease 4. Last evaluated: 2021-07-06. Review status: criteria provided, single submitter. Criteria: ACMG Guidelines, 2015. Collection method: clinical testing. Allele origin: unknown.

Eurofins Ntd Llc (ga)
Classification: Uncertain significance. Last evaluated: 2017-10-17. Review status: criteria provided, single submitter. Criteria: EGL Classification Definitions 2015. Collection method: clinical testing. Allele origin: germline. Observed: 2 variant alleles, 2 heterozygotes.

Literature cited by the submitters: PubMed 20301501 (cited by Victorian Clinical Genetics Services, Murdoch Childrens Research Institute); PubMed 21945273 (cited by Victorian Clinical Genetics Services, Murdoch Childrens Research Institute).